The following is an entry in ClinVar:

ClinVar aggregate classification (germline): Benign (0 of 4 stars; one submission).

Conditions:
ADGRG6-related disorder. Also called: ADGRG6-related condition.

Allele frequency attached by ClinVar (database versions not stated): 1000 Genomes Project 0.00599; 1000 Genomes Project 30x 0.00671; TOPMed 0.01238; ESP Exome Variant Server 0.01375.
gnomAD v4.1: 23,038 of 1,511,200 alleles (1.5%); highest among the groups gnomAD compares: Middle Eastern, 4.9%; 235 homozygotes.

Submission:

PreventionGenetics, part of Exact Sciences
Classification: Benign for ADGRG6-related condition. Last evaluated: 2019-05-22. Review status: no assertion criteria provided. Collection method: clinical testing. Allele origin: germline.
Comment: This variant is classified as benign based on ACMG/AMP sequence variant interpretation guidelines (Richards et al. 2015 PMID: 25741868, with internal and published modifications).

NM_198569.3(ADGRG6):c.2939-7G>A

Gene: ADGRG6 (adhesion G protein-coupled receptor G6; plus strand). Cytogenetic location: 6q24.2.
Variant type: single nucleotide variant.
Coding change: c.2939-7G>A on transcript NM_198569.3 (MANE Select); 7 bases into the intron before coding-DNA position 2939, G replaced by A.
Molecular consequence: intron variant.
Genome position (GRCh38, 1-based): chr6:142,417,266, G>A. VCF-style: chr6-142417266-G-A. GRCh37 (hg19) VCF-style: chr6-142738403-G-A.
Other names: c.2939-7G>A (NM_020455.6); c.2855-7G>A (NM_001032394.3, NM_001032395.3).
Identifiers: ClinVar variation 3055996 (VCV003055996.2), dbSNP rs118084467, ClinGen allele CA4027302.
Genomic context (GRCh38, chr6:142,417,266, plus strand): 5'-ATTAGCAGTCTTATGAAGCAGTTTCAGATGCTTCAAAAGAGTTTGTGTCATGGTGTTTTT[G>A]TAACAGGTTTGCCTGCCTTAGTGGTGTCAGTTGTTCTAGCGAGCAGAAACAACAATGAAG-3'